The following is an entry in ClinVar:

ClinVar aggregate classification (germline): Uncertain significance (1 of 4 stars; one submission).

Submission:

Labcorp Genetics (formerly Invitae), Labcorp
Classification: Uncertain significance. Last evaluated: 2023-08-09. Review status: criteria provided, single submitter. Criteria: Invitae Variant Classification Sherloc (09022015). Collection method: clinical testing. Allele origin: germline.
Comment: Algorithms developed to predict the effect of missense changes on protein structure and function output the following: SIFT: "Not Available"; PolyPhen-2: "Benign"; Align-GVGD: "Not Available". The aspartic acid amino acid residue is found in multiple mammalian species, which suggests that this missense change does not adversely affect protein function. This variant has not been reported in the literature in individuals affected with PROM1-related conditions. This variant is not present in population databases (gnomAD no frequency). This sequence change replaces glutamic acid, which is acidic and polar, with aspartic acid, which is acidic and polar, at codon 589 of the PROM1 protein (p.Glu589Asp). This variant also falls at the last nucleotide of exon 15, which is part of the consensus splice site for this exon. Variants that disrupt the consensus splice site are a relatively common cause of aberrant splicing (PMID: 17576681, 9536098). Algorithms developed to predict the effect of sequence changes on RNA splicing suggest that this variant may disrupt the consensus splice site. In summary, the available evidence is currently insufficient to determine the role of this variant in disease. Therefore, it has been classified as a Variant of Uncertain Significance.

Literature cited by the submitters: PubMed 17576681; PubMed 9536098.

NM_006017.3(PROM1):c.1767G>T (p.Glu589Asp)

Gene: PROM1 (prominin 1; minus strand). Cytogenetic location: 4p15.32.
Variant type: single nucleotide variant.
Coding change: c.1767G>T on transcript NM_006017.3 (MANE Select); coding-DNA position 1767, G replaced by T.
Protein change: p.Glu589Asp; replaces glutamic acid 589 with aspartic acid.
Molecular consequence: missense variant.
Genome position (GRCh38, 1-based): chr4:15,993,987, C>A on the plus strand (G>T on the coding strand, the complement: PROM1 is on the minus strand). VCF-style: chr4-15993987-C-A. GRCh37 (hg19) VCF-style: chr4-15995610-C-A.
Other names: c.1740G>T, p.Glu580Asp (NM_001371408.1, NM_001145847.2, NM_001145848.2 and 4 more transcripts); c.1767G>T, p.Glu589Asp (NM_001145849.2, NM_001145850.2); short protein forms E580D, E589D.
Identifiers: ClinVar variation 2750309 (VCV002750309.3), dbSNP rs1187150199, ClinGen allele CA356431224.